The following is an entry in ClinVar:

NM_173477.5(USH1G):c.43G>C (p.Glu15Gln)

Gene: USH1G (USH1 protein network component sans; minus strand). Cytogenetic location: 17q25.1.
Variant type: single nucleotide variant.
Coding change: c.43G>C on transcript NM_173477.5 (MANE Select); coding-DNA position 43, G replaced by C.
Protein change: p.Glu15Gln; replaces glutamic acid 15 with glutamine.
Molecular consequence: missense variant. On other transcripts: 5 prime UTR variant (1).
Genome position (GRCh38, 1-based): chr17:74,923,031, C>G on the plus strand (G>C on the coding strand, the complement: USH1G is on the minus strand). VCF-style: chr17-74923031-C-G. GRCh37 (hg19) VCF-style: chr17-72919126-C-G.
Other names: c.-214G>C (NM_001282489.3); short protein forms E15Q.
Identifiers: ClinVar variation 229608 (VCV000229608.16), dbSNP rs757653096, ClinGen allele CA8754138.

ClinVar aggregate classification (germline): Uncertain significance. Review status: criteria provided, multiple submitters, no conflicts (2 of 4 stars). 4 submissions from 4 submitters: Uncertain significance (2). 2 of the submissions do not count toward it. Last evaluated 2019-09-19.

Conditions:
USH1G-related disorder. Also called: USH1G-related condition; USH1G-related disorders.
Retinal dystrophy. Also called: Inherited retinal dystrophy. Identifiers: Orphanet 71862, MedGen C0854723, MeSH D058499, MONDO:0019118, HP:0000556.

Allele frequency attached by ClinVar (database versions not stated): gnomAD exomes below 0.00001 and 0.00001; gnomAD 0.00001; TOPMed 0.00002; ExAC 0.00003.
gnomAD v4.1: 13 of 1,583,794 alleles (0.00082%); highest among the groups gnomAD compares: Non-Finnish European, 0.0011%; no homozygotes.

Submissions (4):

Labcorp Genetics (formerly Invitae), Labcorp
Classification: Uncertain significance. Last evaluated: 2019-09-19. Review status: criteria provided, single submitter. Criteria: Invitae Variant Classification Sherloc (09022015). Collection method: clinical testing. Allele origin: germline.
Comment: This sequence change replaces glutamic acid with glutamine at codon 15 of the USH1G protein (p.Glu15Gln). The glutamic acid residue is moderately conserved and there is a small physicochemical difference between glutamic acid and glutamine. This variant is present in population databases (rs757653096, ExAC 0.006%). This variant has not been reported in the literature in individuals with USH1G-related conditions. ClinVar contains an entry for this variant (Variation ID: 229608). Algorithms developed to predict the effect of missense changes on protein structure and function (SIFT, PolyPhen-2, Align-GVGD) all suggest that this variant is likely to be tolerated, but these predictions have not been confirmed by published functional studies and their clinical significance is uncertain. In summary, the available evidence is currently insufficient to determine the role of this variant in disease. Therefore, it has been classified as a Variant of Uncertain Significance.

Laboratory for Molecular Medicine, Mass General Brigham Personalized Medicine
Classification: Uncertain significance. Last evaluated: 2015-03-05. Review status: criteria provided, single submitter. Criteria: LMM Criteria. Collection method: clinical testing. Allele origin: germline. Observed: 1 variant allele.
Comment: The p.Glu15Gln variant in USH1G has not been previously reported in individuals with hearing loss. This variant has been identified in 1/16714 European chromos omes by the Exome Aggregation Consortium (ExAC). Although this variant has been seen in the general population, its frequency is not high enough to rule out a pathogenic role. Computational prediction tools a nd conservation analyses do not provide strong support for or against an impact to the protein. In summary, the clinical significance of the p.Glu15Gln variant is uncertain.

PreventionGenetics, part of Exact Sciences
Classification: Uncertain significance for USH1G-related condition. Last evaluated: 2023-12-24. Review status: no assertion criteria provided. Collection method: clinical testing. Allele origin: germline. Not counted in ClinVar's aggregate classification.
Comment: The USH1G c.43G>C variant is predicted to result in the amino acid substitution p.Glu15Gln. To our knowledge, this variant has not been reported in the literature. This variant is reported in 0.0019% of alleles in individuals of European (Non-Finnish) descent in gnomAD. At this time, the clinical significance of this variant is uncertain due to the absence of conclusive functional and genetic evidence.

Institute of Human Genetics, Univ. Regensburg, Univ. Regensburg
Classification: Uncertain significance for Retinal dystrophy. Last evaluated: 2022-01-01. Review status: no assertion criteria provided. Criteria: ACMG Guidelines, 2015. Collection method: clinical testing. Allele origin: germline. Affected: yes. Not counted in ClinVar's aggregate classification.